The following is an entry in ClinVar:

ClinVar aggregate classification (germline): Conflicting classifications of pathogenicity. Review status: criteria provided, conflicting classifications (1 of 4 stars). 6 submissions from 6 submitters: Uncertain significance (3); Benign (1); Likely benign (1). 1 of the submissions does not count toward it. Last evaluated 2025-11-05.

Conditions:
Ehlers-Danlos syndrome, classic type, 1 (EDSCL1). Also called: EHLERS-DANLOS SYNDROME, GRAVIS TYPE; EHLERS-DANLOS SYNDROME, SEVERE CLASSIC TYPE; Ehlers-Danlos syndrome, type 1; EDS I; Ehlers-Danlos Syndrome, Classic Type, COL5A1-Related. Identifiers: MedGen C0268335, MONDO:0019567, OMIM 130000.
Confusion. Identifiers: MedGen C0009676, HP:0001289.
COL5A1-related disorder. Also called: COL5A1-related condition.
Fibromuscular dysplasia, multifocal. Identifiers: MedGen C5543412, MONDO:0859151, OMIM 619329.
Familial thoracic aortic aneurysm and aortic dissection (TAAD). Also called: Thoracic aortic aneurysms and dissections. Identifiers: Orphanet 91387, MedGen C4707243, MONDO:0019625.

Allele frequency attached by ClinVar (database versions not stated): gnomAD exomes 0.00001 and 0.00003; ExAC 0.00004; TOPMed 0.00001.
gnomAD v4.1: 18 of 1,614,074 alleles (0.0011%); highest among the groups gnomAD compares: Admixed American, 0.0067%; no homozygotes.

Submissions (6):

Ambry Genetics
Classification: Likely benign for Familial thoracic aortic aneurysm and aortic dissection. Last evaluated: 2025-11-05. Review status: criteria provided, single submitter. Criteria: Ambry Variant Classification Scheme 2023. Collection method: clinical testing. Allele origin: germline.

Labcorp Genetics (formerly Invitae), Labcorp
Classification: Benign for Ehlers-Danlos syndrome, classic type, 1. Last evaluated: 2025-10-11. Review status: criteria provided, single submitter. Criteria: Invitae Variant Classification Sherloc (09022015). Collection method: clinical testing. Allele origin: germline.

GeneDx
Classification: Uncertain significance. Last evaluated: 2025-02-06. Review status: criteria provided, single submitter. Criteria: GeneDx Variant Classification Process June 2021. Collection method: clinical testing. Allele origin: germline. Affected: yes.
Comment: In silico analysis supports that this missense variant has a deleterious effect on protein structure/function; Has not been previously published as pathogenic or benign to our knowledge; This variant is associated with the following publications: (PMID: 22696272)

PreventionGenetics, part of Exact Sciences
Classification: Uncertain significance for COL5A1-related condition. Last evaluated: 2022-09-21. Review status: criteria provided, single submitter. Criteria: ACMG Guidelines, 2015. Collection method: clinical testing. Allele origin: germline.
Comment: The COL5A1 c.700T>C variant is predicted to result in the amino acid substitution p.Tyr234His. To our knowledge, this variant has not been reported in the literature. This variant is reported in 0.0087% of alleles in individuals of Latino descent in gnomAD. At this time, the clinical significance of this variant is uncertain due to the absence of conclusive functional and genetic evidence.

Fulgent Genetics
Classification: Uncertain significance for Ehlers-Danlos syndrome, classic type, 1; Fibromuscular dysplasia, multifocal. Last evaluated: 2021-11-18. Review status: criteria provided, single submitter. Criteria: ACMG Guidelines, 2015. Collection method: clinical testing. Allele origin: unknown.

PG23_Medical Genetics Lab, ASST Papa Giovanni XXIII
Classification: Uncertain significance for Confusion. Review status: no assertion criteria provided. Collection method: clinical testing. Allele origin: germline. Affected: yes. Not counted in ClinVar's aggregate classification.

NM_000093.5(COL5A1):c.700T>C (p.Tyr234His)

Gene: COL5A1 (collagen type V alpha 1 chain; plus strand). Cytogenetic location: 9q34.3.
Variant type: single nucleotide variant.
Coding change: c.700T>C on transcript NM_000093.5 (MANE Select); coding-DNA position 700, T replaced by C.
Protein change: p.Tyr234His; replaces tyrosine 234 with histidine.
Molecular consequence: missense variant.
Genome position (GRCh38, 1-based): chr9:134,727,311, T>C. VCF-style: chr9-134727311-T-C. GRCh37 (hg19) VCF-style: chr9-137619157-T-C.
Other names: c.700T>C, p.Tyr234His (NM_001278074.1); c.700T>C (NM_000093.4, NM_000093.3); short protein forms Y234H.
Identifiers: ClinVar variation 1353147 (VCV001353147.13), dbSNP rs757434449, ClinGen allele CA5318500.